The following is an entry in ClinVar:

NM_015693.4(INTU):c.1163T>C (p.Ile388Thr)

Gene: INTU (inturned planar cell polarity protein; plus strand). Cytogenetic location: 4q28.1.
Variant type: single nucleotide variant.
Coding change: c.1163T>C on transcript NM_015693.4 (MANE Select); coding-DNA position 1163, T replaced by C.
Protein change: p.Ile388Thr; replaces isoleucine 388 with threonine.
Molecular consequence: missense variant.
Genome position (GRCh38, 1-based): chr4:127,674,195, T>C. VCF-style: chr4-127674195-T-C. GRCh37 (hg19) VCF-style: chr4-128595350-T-C.
Other names: short protein forms I388T.
Identifiers: ClinVar variation 2233593 (VCV002233593.3), dbSNP rs748417096, ClinGen allele CA3074969.
Genomic context (GRCh38, chr4:127,674,195, plus strand): 5'-TTTTAAATGGAAAACAAATTCATGTGGCTTATTGGAAAGAATCTGACAAGTTGTTGCTAA[T>C]TGGCCTGCCTGCTGAAGAGTAAGTTGAGGTTTTGCTTACCTTAAAATCATTTCCAAATAA-3'
Protein context (NP_056508.2, residues 378-398): YWKESDKLLL[Ile388Thr]GLPAEEVPLP

ClinVar aggregate classification (germline): Uncertain significance. Review status: criteria provided, multiple submitters, no conflicts (2 of 4 stars). 2 submissions from 2 submitters: Uncertain significance (2). Last evaluated 2023-05-18.

Conditions:
Inborn genetic diseases. Identifiers: MedGen C0950123, MeSH D030342.

Allele frequency attached by ClinVar (database versions not stated): ExAC 0.00001; gnomAD exomes 0.00001; TOPMed 0.00001.
gnomAD v4.1: 16 of 1,611,730 alleles (0.00099%); highest among the groups gnomAD compares: South Asian, 0.0078%; no homozygotes.

Submissions (2):

GeneDx
Classification: Uncertain significance. Last evaluated: 2023-05-18. Review status: criteria provided, single submitter. Criteria: GeneDx Variant Classification Process June 2021. Collection method: clinical testing. Allele origin: germline. Affected: yes.
Comment: In silico analysis supports that this missense variant has a deleterious effect on protein structure/function; Has not been previously published as pathogenic or benign to our knowledge

Ambry Genetics
Classification: Uncertain significance for Inborn genetic diseases. Last evaluated: 2021-06-18. Review status: criteria provided, single submitter. Criteria: Ambry Variant Classification Scheme 2023. Collection method: clinical testing. Allele origin: germline.